The following is an entry in ClinVar:

NM_152383.5(DIS3L2):c.1923+1G>A

Gene: DIS3L2 (DIS3 like 3'-5' exoribonuclease 2; plus strand). Cytogenetic location: 2q37.1.
Variant type: single nucleotide variant.
Coding change: c.1923+1G>A on transcript NM_152383.5 (MANE Select); the canonical splice donor site of the intron after coding-DNA position 1923, G replaced by A.
Molecular consequence: splice donor variant. On other transcripts: intron variant (1).
Genome position (GRCh38, 1-based): chr2:232,329,997, G>A. VCF-style: chr2-232329997-G-A. GRCh37 (hg19) VCF-style: chr2-233194707-G-A.
Other names: c.1582-13348G>A (NM_001257281.2).
Identifiers: ClinVar variation 1067736 (VCV001067736.7), dbSNP rs2106348255, ClinGen allele CA350976309.
Genomic context (GRCh38, chr2:232,329,997, plus strand): 5'-GTGGAATTCTGCGACCAGATGGGGCTGCCCGTGGACTTCAGCTCCGCAGGAGCCCTCAAT[G>A]TGAGTGGTGGGCAGGATTCGGGGGAGGCCCTGCTTGGGGGAAAGAAGAGAAAGACCTGGA-3'

ClinVar aggregate classification (germline): Likely pathogenic (1 of 4 stars; one submission).

Conditions:
Perlman syndrome (PRLMNS). Identifiers: Orphanet 2849, MedGen C0796113, MONDO:0009965, OMIM 267000.

Submission:

Labcorp Genetics (formerly Invitae), Labcorp
Classification: Likely pathogenic for Perlman syndrome. Last evaluated: 2023-12-20. Review status: criteria provided, single submitter. Criteria: Invitae Variant Classification Sherloc (09022015). Collection method: clinical testing. Allele origin: germline.
Comment: This sequence change affects a donor splice site in intron 15 of the DIS3L2 gene. It is expected to disrupt RNA splicing. Variants that disrupt the donor or acceptor splice site typically lead to a loss of protein function (PMID: 16199547), and loss-of-function variants in DIS3L2 are known to be pathogenic (PMID: 22306653, 28328139). This variant is not present in population databases (gnomAD no frequency). This variant has not been reported in the literature in individuals affected with DIS3L2-related conditions. ClinVar contains an entry for this variant (Variation ID: 1067736). Algorithms developed to predict the effect of sequence changes on RNA splicing suggest that this variant may disrupt the consensus splice site. In summary, the currently available evidence indicates that the variant is pathogenic, but additional data are needed to prove that conclusively. Therefore, this variant has been classified as Likely Pathogenic.

Literature cited by the submitters: PubMed 16199547; PubMed 22306653; PubMed 28328139.